The following is an entry in ClinVar:

NM_014283.5(SUCO):c.1222_1223del (p.Ser408fs)

Gene: SUCO (SUN domain containing ossification factor; plus strand). Cytogenetic location: 1q24.3.
Variant type: Microsatellite.
Coding change: c.1222_1223del on transcript NM_014283.5 (MANE Select); coding-DNA positions 1222 to 1223, 2 bases deleted (AG; older notation c.1222_1223delAG).
Protein change: p.Ser408fs; shifts the reading frame from serine 408.
Molecular consequence: frameshift variant. On other transcripts: 5 prime UTR variant (1).
Genome position (GRCh38, 1-based): chr1:172,575,582-172,575,583, AG deleted; deleting any 2 consecutive bases within chr1:172,575,580-172,575,583 gives the same sequence; the c. name uses the placement nearest the transcript's 3' end. VCF-style (leftmost placement, unchanged base first): chr1-172575579-CAG-C. GRCh37 (hg19) VCF-style: chr1-172544719-CAG-C.
Other names: c.1111_1112del, p.Ser371fs (NM_001282750.2); c.-310AG[1] (NM_001282751.2); c.1696_1697del, p.Ser566fs (NM_016227.4); short protein forms S408fs, S371fs, S566fs.
Identifiers: ClinVar variation 3711764 (VCV003711764.2).

ClinVar aggregate classification (germline): Uncertain significance (1 of 4 stars; one submission).

Submission:

Labcorp Genetics (formerly Invitae), Labcorp
Classification: Uncertain significance. Last evaluated: 2024-04-11. Review status: criteria provided, single submitter. Criteria: Invitae Variant Classification Sherloc (09022015). Collection method: clinical testing. Allele origin: germline.
Comment: This sequence change creates a premature translational stop signal (p.Ser408Phefs*5) in the SUCO gene. It is expected to result in an absent or disrupted protein product. However, the current clinical and genetic evidence is not sufficient to establish whether loss-of-function variants in SUCO cause disease. This variant is not present in population databases (gnomAD no frequency). This variant has not been reported in the literature in individuals affected with SUCO-related conditions. In summary, the available evidence is currently insufficient to determine the role of this variant in disease. Therefore, it has been classified as a Variant of Uncertain Significance.